The following is an entry in ClinVar:

ClinVar aggregate classification (germline): Uncertain significance (1 of 4 stars; one submission).

Conditions:
Hereditary cancer-predisposing syndrome. Also called: Neoplastic Syndromes, Hereditary; Tumor predisposition; Hereditary Cancer Syndrome; Hereditary neoplastic syndrome. Identifiers: Orphanet 140162, MedGen C0027672, MeSH D009386, MONDO:0015356.

Submission:

Ambry Genetics
Classification: Uncertain significance for Hereditary cancer-predisposing syndrome. Last evaluated: 2024-09-22. Review status: criteria provided, single submitter. Criteria: Ambry Variant Classification Scheme 2023. Collection method: clinical testing. Allele origin: germline.
Comment: The p.E75Q variant (also known as c.223G>C), located in coding exon 3 of the RAD50 gene, results from a G to C substitution at nucleotide position 223. The glutamic acid at codon 75 is replaced by glutamine, an amino acid with highly similar properties. This amino acid position is conserved. In addition, this alteration is predicted to be tolerated by in silico analysis. Based on the available evidence, the clinical significance of this variant remains unclear.

NM_005732.4(RAD50):c.223G>C (p.Glu75Gln)

Gene: RAD50 (RAD50 double strand break repair protein; plus strand). Cytogenetic location: 5q31.1.
Variant type: single nucleotide variant.
Coding change: c.223G>C on transcript NM_005732.4 (MANE Select); coding-DNA position 223, G replaced by C.
Protein change: p.Glu75Gln; replaces glutamic acid 75 with glutamine.
Molecular consequence: missense variant.
Genome position (GRCh38, 1-based): chr5:132,575,786, G>C. VCF-style: chr5-132575786-G-C. GRCh37 (hg19) VCF-style: chr5-131911478-G-C.
Other names: short protein forms E75Q.
Identifiers: ClinVar variation 3429497 (VCV003429497.1).